The following is an entry in ClinVar:

ClinVar aggregate classification (germline): Benign/Likely benign. Review status: criteria provided, multiple submitters, no conflicts (2 of 4 stars). 5 submissions from 5 submitters: Benign (1); Likely benign (4). Last evaluated 2026-06-10.

Conditions:
Inborn genetic diseases. Identifiers: MedGen C0950123, MeSH D030342.
MBD4-related disorder. Also called: MBD4-related condition.
Tumor predisposition syndrome 2 (TPDS2). Also called: MBD4-associated neoplasia syndrome (MANS); MBD4-Related Tumor Predisposition Syndrome; MBD4-ASSOCIATED NEOPLASIA SYNDROME. Identifiers: Orphanet 661526, MedGen C5774186, MONDO:0859267, OMIM 619975.

gnomAD v4.1: 204 of 1,613,942 alleles (0.013%); highest among the groups gnomAD compares: Non-Finnish European, 0.016%; no homozygotes.

Submissions (5):

Myriad Genetics, Inc.
Classification: Benign for Tumor predisposition syndrome 2. Last evaluated: 2026-06-10. Review status: criteria provided, single submitter. Criteria: Myriad Autosomal Dominant, Autosomal Recessive and X-Linked Classification Criteria (2023). Collection method: clinical testing. Allele origin: unknown.
Comment: This variant is considered benign. This variant is a silent/synonymous amino acid change and it is not expected to impact splicing.

Labcorp Genetics (formerly Invitae), Labcorp
Classification: Likely benign. Last evaluated: 2026-01-28. Review status: criteria provided, single submitter. Criteria: Invitae Variant Classification Sherloc (09022015). Collection method: clinical testing. Allele origin: germline.

PreventionGenetics, part of Exact Sciences
Classification: Likely benign for MBD4-related condition. Last evaluated: 2025-10-10. Review status: criteria provided, single submitter. Criteria: ACMG Guidelines, 2015. Collection method: clinical testing. Allele origin: germline.
Comment: This variant is classified as likely benign based on ACMG/AMP sequence variant interpretation guidelines (Richards et al. 2015 PMID: 25741868, with internal and published modifications).

CeGaT Center for Human Genetics Tuebingen
Classification: Likely benign. Last evaluated: 2025-07-01. Review status: criteria provided, single submitter. Criteria: CeGaT Center For Human Genetics Tuebingen Variant Classification Criteria Version 2. Collection method: clinical testing. Allele origin: germline. Affected: yes. Observed: 1 variant allele.
Comment: MBD4: BP4, BP7

Ambry Genetics
Classification: Likely benign for Inborn genetic diseases. Last evaluated: 2024-11-25. Review status: criteria provided, single submitter. Criteria: Ambry Variant Classification Scheme 2023. Collection method: clinical testing. Allele origin: germline.

NM_001276270.2(MBD4):c.1074C>A (p.Ile358=)

Gene: MBD4 (methyl-CpG binding domain 4, DNA glycosylase; minus strand). Cytogenetic location: 3q21.3.
Variant type: single nucleotide variant.
Coding change: c.1074C>A on transcript NM_001276270.2 (MANE Select); coding-DNA position 1074, C replaced by A.
Protein change: p.Ile358=; no amino-acid change (isoleucine 358 retained).
Molecular consequence: synonymous variant. On other transcripts: intron variant (1).
Genome position (GRCh38, 1-based): chr3:129,436,570, G>T on the plus strand (C>A on the coding strand, the complement: MBD4 is on the minus strand). VCF-style: chr3-129436570-G-T. GRCh37 (hg19) VCF-style: chr3-129155413-G-T.
Other names: c.1074C>A, p.Ile358= (NM_001276271.2, NM_001276272.2, NM_003925.3); c.247+1238C>A (NM_001276273.2); c.1074C>A (NM_003925.2).
Identifiers: ClinVar variation 2143761 (VCV002143761.14), dbSNP rs139242730, ClinGen allele CA2605419.